The following is an entry in ClinVar:

NM_000318.3(PEX2):c.740G>A (p.Cys247Tyr)

Gene: PEX2 (peroxisomal biogenesis factor 2; minus strand). Cytogenetic location: 8q21.13.
Variant type: single nucleotide variant.
Coding change: c.740G>A on transcript NM_000318.3 (MANE Select); coding-DNA position 740, G replaced by A.
Protein change: p.Cys247Tyr; replaces cysteine 247 with tyrosine.
Molecular consequence: missense variant.
Genome position (GRCh38, 1-based): chr8:76,983,439, C>T on the plus strand (G>A on the coding strand, the complement: PEX2 is on the minus strand). VCF-style: chr8-76983439-C-T. GRCh37 (hg19) VCF-style: chr8-77895675-C-T.
Other names: c.740G>A, p.Cys247Tyr (NM_001079867.2, NM_001172086.2, NM_001172087.2); short protein forms C247Y.
Identifiers: ClinVar variation 265330 (VCV000265330.3), dbSNP rs886039481, ClinGen allele CA10588463.

ClinVar aggregate classification (germline): Likely pathogenic (1 of 4 stars; one submission).

Submission:

GeneDx
Classification: Likely pathogenic. Last evaluated: 2019-06-21. Review status: criteria provided, single submitter. Criteria: GeneDx Variant Classification Process June 2021. Collection method: clinical testing. Allele origin: germline. Affected: yes.
Comment: Has not been previously published as pathogenic or benign to our knowledge; Not observed in large population cohorts (Lek et al., 2016); In silico analysis, which includes protein predictors and evolutionary conservation, supports a deleterious effect; This variant is associated with the following publications: (PMID: 30919572)